The following is an entry in ClinVar:

ClinVar aggregate classification (germline): Uncertain significance (1 of 4 stars; one submission).

Conditions:
Neuropathy, hereditary sensory and autonomic, type 2A (HSAN2A). Also called: MORVAN DISEASE; NEUROPATHY, CONGENITAL SENSORY; NEUROPATHY, HEREDITARY SENSORY RADICULAR, AUTOSOMAL RECESSIVE; NEUROPATHY, HEREDITARY SENSORY, TYPE IIA; NEUROPATHY, PROGRESSIVE SENSORY, OF CHILDREN; HSAN IIA. Identifiers: Orphanet 970, MedGen C2752089, MONDO:0024309, OMIM 201300.
Generalized epilepsy with febrile seizures plus, type 7 (GEFSP7). Also called: GEFS+, TYPE 7. Identifiers: Orphanet 36387, MedGen C2751778, MONDO:0013470, OMIM 613863.

Allele frequency attached by ClinVar (database versions not stated): gnomAD exomes below 0.00001; ExAC 0.00001; gnomAD 0.00001; TOPMed 0.00001; ESP Exome Variant Server 0.00008.
gnomAD v4.1: 4 of 1,606,870 alleles (0.00025%); highest among the groups gnomAD compares: Non-Finnish European, 0.00034%; no homozygotes.

Submission:

Labcorp Genetics (formerly Invitae), Labcorp
Classification: Uncertain significance for Neuropathy, hereditary sensory and autonomic, type 2A; Generalized epilepsy with febrile seizures plus, type 7. Last evaluated: 2024-02-25. Review status: criteria provided, single submitter. Criteria: Invitae Variant Classification Sherloc (09022015). Collection method: clinical testing. Allele origin: germline.
Comment: This sequence change replaces proline, which is neutral and non-polar, with leucine, which is neutral and non-polar, at codon 1487 of the SCN9A protein (p.Pro1487Leu). This variant is present in population databases (rs367754221, gnomAD 0.0009%). This variant has not been reported in the literature in individuals affected with SCN9A-related conditions. Advanced modeling of protein sequence and biophysical properties (such as structural, functional, and spatial information, amino acid conservation, physicochemical variation, residue mobility, and thermodynamic stability) has been performed at Invitae for this missense variant, however the output from this modeling did not meet the statistical confidence thresholds required to predict the impact of this variant on SCN9A protein function. In summary, the available evidence is currently insufficient to determine the role of this variant in disease. Therefore, it has been classified as a Variant of Uncertain Significance.

NM_001365536.1(SCN9A):c.4493C>T (p.Pro1498Leu)

Genes: SCN1A-AS1 (SCN1A and SCN9A antisense RNA 1; plus strand), SCN9A (sodium voltage-gated channel alpha subunit 9; minus strand). Cytogenetic location: 2q24.3.
Variant type: single nucleotide variant.
Coding change: c.4493C>T on transcript NM_001365536.1 (MANE Select); coding-DNA position 4493, C replaced by T.
Protein change: p.Pro1498Leu; replaces proline 1498 with leucine.
Molecular consequence: missense variant.
Genome position (GRCh38, 1-based): chr2:166,204,370, G>A on the plus strand (C>T on the coding strand, the complement: SCN9A is on the minus strand). VCF-style: chr2-166204370-G-A. GRCh37 (hg19) VCF-style: chr2-167060880-G-A.
Other names: c.4460C>T, p.Pro1487Leu (NM_002977.4); short protein forms P1487L, P1498L.
Identifiers: ClinVar variation 2952989 (VCV002952989.3), dbSNP rs367754221, ClinGen allele CA1943857.
Genomic context (GRCh38, chr2:166,204,370, plus strand): 5'-TTAGAAATAATTTGAAAATCTATATGCTAAAGATATATATATTTTTTTACCCCTGGTCGA[G>A]GAATTGGCTTTTGTGGCTTCTTGGACCCCAGCTTTTTCATTGCATTATAGTATTTCTTCT-3'
Protein context (NP_001352465.1, residues 1488-1508): LGSKKPQKPI[Pro1498Leu]RPGNKIQGCI